The following is an entry in ClinVar:

NM_000018.4(ACADVL):c.595_598del (p.Glu199fs)

Gene: ACADVL (acyl-CoA dehydrogenase very long chain; plus strand). Cytogenetic location: 17p13.1.
Variant type: Microsatellite.
Coding change: c.595_598del on transcript NM_000018.4 (MANE Select); coding-DNA positions 595 to 598, 4 bases deleted (GAAA; older notation c.595_598delGAAA).
Protein change: p.Glu199fs; shifts the reading frame from glutamic acid 199.
Molecular consequence: frameshift variant.
Genome position (GRCh38, 1-based): chr17:7,221,655-7,221,658, GAAA deleted; deleting any 4 consecutive bases within chr17:7,221,650-7,221,658 gives the same sequence; the c. name uses the placement nearest the transcript's 3' end. VCF-style (leftmost placement, unchanged base first): chr17-7221649-CAGAA-C. GRCh37 (hg19) VCF-style: chr17-7124968-CAGAA-C.
Other names: c.664_667del, p.Glu222fs (NM_001270447.2); c.367_370del, p.Glu123fs (NM_001270448.2); c.529_532del, p.Glu177fs (NM_001033859.3); short protein forms E123fs, E177fs, E199fs, E222fs.
Identifiers: ClinVar variation 2680232 (VCV002680232.2), dbSNP rs2508284530, ClinGen allele CA2695199913.

ClinVar aggregate classification (germline): Pathogenic/Likely pathogenic. Review status: criteria provided, multiple submitters, no conflicts (2 of 4 stars). 2 submissions from 2 submitters: Pathogenic (1); Likely pathogenic (1). Last evaluated 2025-02-19.

Conditions:
Very long chain acyl-CoA dehydrogenase deficiency (ACADVLD). Also called: VLCAD Deficiency; Very Long-Chain Acyl-Coenzyme A Dehydrogenase Deficiency. Identifiers: Orphanet 26793, MedGen C3887523, MONDO:0008723, OMIM 201475.

Submissions (2):

Labcorp Genetics (formerly Invitae), Labcorp
Classification: Pathogenic for Very long chain acyl-CoA dehydrogenase deficiency. Last evaluated: 2025-02-19. Review status: criteria provided, single submitter. Criteria: Invitae Variant Classification Sherloc (09022015). Collection method: clinical testing. Allele origin: germline.
Comment: This sequence change creates a premature translational stop signal (p.Glu199Asnfs*17) in the ACADVL gene. It is expected to result in an absent or disrupted protein product. Loss-of-function variants in ACADVL are known to be pathogenic (PMID: 9973285, 11590124). This variant is not present in population databases (gnomAD no frequency). This variant has not been reported in the literature in individuals affected with ACADVL-related conditions. For these reasons, this variant has been classified as Pathogenic.

Baylor Genetics
Classification: Likely pathogenic for Very long chain acyl-CoA dehydrogenase deficiency. Last evaluated: 2023-05-16. Review status: criteria provided, single submitter. Criteria: ACMG Guidelines, 2015. Collection method: clinical testing. Allele origin: unknown.

Literature cited by the submitters: PubMed 9973285 (cited by Labcorp Genetics (formerly Invitae), Labcorp); PubMed 11590124 (cited by Labcorp Genetics (formerly Invitae), Labcorp).